The following is an entry in ClinVar:

ClinVar aggregate classification (germline): Pathogenic (1 of 4 stars; one submission).

Conditions:
Hereditary cancer-predisposing syndrome. Also called: Hereditary Cancer Syndrome; Hereditary neoplastic syndrome; Neoplastic Syndromes, Hereditary; Tumor predisposition. Identifiers: Orphanet 140162, MedGen C0027672, MeSH D009386, MONDO:0015356.

Submission:

Ambry Genetics
Classification: Pathogenic for Hereditary cancer-predisposing syndrome. Last evaluated: 2020-08-17. Review status: criteria provided, single submitter. Criteria: Ambry Variant Classification Scheme 2023. Collection method: clinical testing. Allele origin: germline.
Comment: The c.1533_1534insT pathogenic mutation, located in coding exon 4 of the MSH6 gene, results from an insertion of one nucleotide at position 1533, causing a translational frameshift with a predicted alternate stop codon (p.E512*). This alteration is expected to result in loss of function by premature protein truncation or nonsense-mediated mRNA decay. As such, this alteration is interpreted as a disease-causing mutation.

NM_000179.3(MSH6):c.1533_1534insT (p.Glu512Ter)

Gene: MSH6 (mutS homolog 6; plus strand). Cytogenetic location: 2p16.3.
Variant type: Insertion.
Coding change: c.1533_1534insT on transcript NM_000179.3 (MANE Select); coding-DNA positions 1533 to 1534, T inserted.
Protein change: p.Glu512Ter; replaces glutamic acid 512 with a stop codon.
Molecular consequence: nonsense. On other transcripts: frameshift variant (35).
Genome position: GRCh38 VCF-style: chr2-47799516-G-GT. GRCh37 (hg19) VCF-style: chr2-48026655-G-GT.
Other names: c.1143_1144insT, p.Glu382Ter (NM_001281492.2); c.627_628insT, p.Glu210Ter (NM_001281493.2, NM_001281494.2); c.1629_1630insT, p.Glu544Terfs (NM_001406795.1, NM_001406802.1); c.1533_1534insT, p.Glu512Terfs (NM_001406796.1, NM_001406798.1, NM_001406800.1 and 4 more transcripts); c.1236_1237insT, p.Glu413Terfs (NM_001406797.1, NM_001406801.1, NM_001406805.1 and 10 more transcripts); c.1008_1009insT, p.Glu337Terfs (NM_001406799.1, NM_001406806.1, NM_001406807.1); c.1455_1456insT, p.Glu486Terfs (NM_001406804.1); c.627_628insT, p.Glu210Terfs (NM_001406811.1, NM_001406812.1, NM_001406814.1 and 4 more transcripts); and 2 more; short protein forms E210*, E512*, E382*.
Identifiers: ClinVar variation 1774661 (VCV001774661.2), dbSNP rs2530614697, ClinGen allele CA2580067638.